The following is an entry in ClinVar:

ClinVar aggregate classification (germline): Uncertain significance. Review status: criteria provided, multiple submitters, no conflicts (2 of 4 stars). 2 submissions from 2 submitters: Uncertain significance (2). Last evaluated 2024-12-20.

Allele frequency attached by ClinVar (database versions not stated): gnomAD exomes below 0.00001; ExAC 0.00001; gnomAD 0.00001; 1000 Genomes Project 0.00020; 1000 Genomes Project 30x 0.00031.

Submissions (2):

Labcorp Genetics (formerly Invitae), Labcorp
Classification: Uncertain significance. Last evaluated: 2024-12-20. Review status: criteria provided, single submitter. Criteria: Invitae Variant Classification Sherloc (09022015). Collection method: clinical testing. Allele origin: germline.
Comment: This sequence change replaces valine, which is neutral and non-polar, with alanine, which is neutral and non-polar, at codon 211 of the SLC10A2 protein (p.Val211Ala). This variant is present in population databases (rs550101721, gnomAD 0.003%). This variant has not been reported in the literature in individuals affected with SLC10A2-related conditions. ClinVar contains an entry for this variant (Variation ID: 594681). Invitae Evidence Modeling of protein sequence and biophysical properties (such as structural, functional, and spatial information, amino acid conservation, physicochemical variation, residue mobility, and thermodynamic stability) indicates that this missense variant is not expected to disrupt SLC10A2 protein function with a negative predictive value of 80%. In summary, the available evidence is currently insufficient to determine the role of this variant in disease. Therefore, it has been classified as a Variant of Uncertain Significance.

Eurofins Ntd Llc (ga)
Classification: Uncertain significance. Last evaluated: 2017-10-20. Review status: criteria provided, single submitter. Criteria: EGL Classification Definitions 2015. Collection method: clinical testing. Allele origin: germline. Observed: 1 variant allele, 1 heterozygote.

NM_000452.3(SLC10A2):c.632T>C (p.Val211Ala)

Gene: SLC10A2 (solute carrier family 10 member 2; minus strand). Cytogenetic location: 13q33.1.
Variant type: single nucleotide variant.
Coding change: c.632T>C on transcript NM_000452.3 (MANE Select); coding-DNA position 632, T replaced by C.
Protein change: p.Val211Ala; replaces valine 211 with alanine.
Molecular consequence: missense variant.
Genome position (GRCh38, 1-based): chr13:103,051,386, A>G on the plus strand (T>C on the coding strand, the complement: SLC10A2 is on the minus strand). VCF-style: chr13-103051386-A-G. GRCh37 (hg19) VCF-style: chr13-103703736-A-G.
Other names: short protein forms V211A.
Identifiers: ClinVar variation 594681 (VCV000594681.9), dbSNP rs550101721, ClinGen allele CA7042105.
Genomic context (GRCh38, chr13:103,051,386, plus strand): 5'-GTTCCTATAATCCACAGTTTGGGAGCAATGATCCAGGCGCTTTGGTACAATATTCCTCCA[A>G]CCACAGCTATGAGCACAATGAGGATGGCGCCCGCGATGGACCCAATCTGAAAAAAAAAGG-3'
Protein context (NP_000443.2, residues 201-221): GAILIVLIAV[Val211Ala]GGILYQSAWI